The following is an entry in ClinVar:

ClinVar aggregate classification (germline): Uncertain significance (1 of 4 stars; one submission).

gnomAD v4.1: 1 of 1,230,660 alleles (0.000081%); highest among the groups gnomAD compares: Non-Finnish European, 0.0001%; no homozygotes.

Submission:

GeneDx
Classification: Uncertain significance. Last evaluated: 2023-06-09. Review status: criteria provided, single submitter. Criteria: GeneDx Variant Classification Process June 2021. Collection method: clinical testing. Allele origin: germline. Affected: yes.
Comment: Not observed at significant frequency in large population cohorts (gnomAD); In silico analysis supports that this variant does not alter splicing; Has not been previously published as pathogenic or benign to our knowledge

NM_006015.6(ARID1A):c.144G>A (p.Gly48=)

Gene: ARID1A (AT-rich interaction domain 1A; plus strand). Cytogenetic location: 1p36.11.
Variant type: single nucleotide variant.
Coding change: c.144G>A on transcript NM_006015.6 (MANE Select); coding-DNA position 144, G replaced by A.
Protein change: p.Gly48=; no amino-acid change (glycine 48 retained).
Molecular consequence: synonymous variant.
Genome position (GRCh38, 1-based): chr1:26,696,547, G>A. VCF-style: chr1-26696547-G-A. GRCh37 (hg19) VCF-style: chr1-27023038-G-A.
Other names: c.144G>A, p.Gly48= (NM_139135.4).
Identifiers: ClinVar variation 3359676 (VCV003359676.1).